The following is an entry in ClinVar:

ClinVar aggregate classification (germline): Uncertain significance (1 of 4 stars; one submission).

Conditions:
Cardiovascular phenotype. Identifiers: MedGen CN230736.

Allele frequency attached by ClinVar (database versions not stated): TOPMed 0.00001.

Submission:

Ambry Genetics
Classification: Uncertain significance for Cardiovascular phenotype. Last evaluated: 2022-09-08. Review status: criteria provided, single submitter. Criteria: Ambry Variant Classification Scheme 2023. Collection method: clinical testing. Allele origin: germline.
Comment: The p.T3091S variant (also known as c.9271A>T), located in coding exon 65 of the RYR2 gene, results from an A to T substitution at nucleotide position 9271. The threonine at codon 3091 is replaced by serine, an amino acid with similar properties. This amino acid position is well conserved in available vertebrate species. In addition, this alteration is predicted to be tolerated by in silico analysis. Since supporting evidence is limited at this time, the clinical significance of this alteration remains unclear.

NM_001035.3(RYR2):c.9271A>T (p.Thr3091Ser)

Gene: RYR2 (ryanodine receptor 2; plus strand). Cytogenetic location: 1q43.
Variant type: single nucleotide variant.
Coding change: c.9271A>T on transcript NM_001035.3 (MANE Select); coding-DNA position 9271, A replaced by T.
Protein change: p.Thr3091Ser; replaces threonine 3091 with serine.
Molecular consequence: missense variant.
Genome position (GRCh38, 1-based): chr1:237,700,371, A>T. VCF-style: chr1-237700371-A-T. GRCh37 (hg19) VCF-style: chr1-237863671-A-T.
Other names: short protein forms T3091S.
Identifiers: ClinVar variation 1766399 (VCV001766399.2), dbSNP rs934798594, ClinGen allele CA39786469.